The following is an entry in ClinVar:

NM_006648.4(WNK2):c.1811C>T (p.Pro604Leu)

Gene: WNK2 (WNK lysine deficient protein kinase 2; plus strand). Cytogenetic location: 9q22.31.
Variant type: single nucleotide variant.
Coding change: c.1811C>T on transcript NM_006648.4 (MANE Select); coding-DNA position 1811, C replaced by T.
Protein change: p.Pro604Leu; replaces proline 604 with leucine.
Molecular consequence: missense variant.
Genome position (GRCh38, 1-based): chr9:93,247,811, C>T. VCF-style: chr9-93247811-C-T. GRCh37 (hg19) VCF-style: chr9-96010093-C-T.
Other names: c.1811C>T, p.Pro604Leu (NM_001282394.3); short protein forms P604L.
Identifiers: ClinVar variation 3470223 (VCV003470223.1).

ClinVar aggregate classification (germline): Uncertain significance (1 of 4 stars; one submission).

gnomAD v4.1: 15 of 1,540,782 alleles (0.00097%); highest among the groups gnomAD compares: East Asian, 0.0049%; no homozygotes.

Submission:

Ambry Genetics
Classification: Uncertain significance. Last evaluated: 2024-11-20. Review status: criteria provided, single submitter. Criteria: Ambry Variant Classification Scheme 2023. Collection method: clinical testing. Allele origin: germline.
Comment: The p.P604L variant (also known as c.1811C>T), located in coding exon 7 of the WNK2 gene, results from a C to T substitution at nucleotide position 1811. The proline at codon 604 is replaced by leucine, an amino acid with similar properties. This amino acid position is conserved. In addition, this alteration is predicted to be tolerated by in silico analysis. Based on the available evidence, the clinical significance of this variant remains unclear.